The following is an entry in ClinVar:

ClinVar aggregate classification (germline): Likely benign. Review status: criteria provided, multiple submitters, no conflicts (2 of 4 stars). 5 submissions from 5 submitters: Likely benign (5). Last evaluated 2026-01-31.

Conditions:
Hereditary cancer-predisposing syndrome. Also called: Neoplastic Syndromes, Hereditary; Hereditary neoplastic syndrome; Tumor predisposition; Hereditary Cancer Syndrome. Identifiers: Orphanet 140162, MedGen C0027672, MeSH D009386, MONDO:0015356.
Hereditary diffuse gastric adenocarcinoma (HDGC). Also called: DIFFUSE GASTRIC AND LOBULAR BREAST CANCER SYNDROME. Identifiers: Orphanet 26106, MedGen C1708349, MONDO:0007648, OMIM 137215.

Allele frequency attached by ClinVar (database versions not stated): gnomAD below 0.00001 and 0.00003; gnomAD exomes 0.00004 and 0.00008; ExAC 0.00014; 1000 Genomes Project 30x 0.00016; 1000 Genomes Project 0.00020.
gnomAD v4.1: 57 of 1,489,120 alleles (0.0038%); highest among the groups gnomAD compares: South Asian, 0.058%; no homozygotes.

Submissions (5):

Labcorp Genetics (formerly Invitae), Labcorp
Classification: Likely benign for Hereditary diffuse gastric adenocarcinoma. Last evaluated: 2026-01-31. Review status: criteria provided, single submitter. Criteria: Invitae Variant Classification Sherloc (09022015). Collection method: clinical testing. Allele origin: germline.

Center for Genomic Medicine, Rigshospitalet, Copenhagen University Hospital
Classification: Likely benign. Last evaluated: 2025-03-04. Review status: criteria provided, single submitter. Criteria: ACMG Guidelines, 2015. Collection method: clinical testing. Allele origin: germline.

Myriad Genetics, Inc.
Classification: Likely benign for Hereditary diffuse gastric adenocarcinoma. Last evaluated: 2024-09-10. Review status: criteria provided, single submitter. Criteria: Myriad Autosomal Dominant, Autosomal Recessive and X-Linked Classification Criteria (2023). Collection method: clinical testing. Allele origin: unknown.
Comment: This variant is considered likely benign. This variant is intronic and is not expected to impact mRNA splicing.

Color Diagnostics, LLC DBA Color Health
Classification: Likely benign for Hereditary cancer-predisposing syndrome. Last evaluated: 2017-09-22. Review status: criteria provided, single submitter. Criteria: ACMG Guidelines, 2015. Collection method: clinical testing. Allele origin: germline.

GeneDx
Classification: Likely benign. Last evaluated: 2016-11-28. Review status: criteria provided, single submitter. Criteria: GeneDx Variant Classification (06012015). Collection method: clinical testing. Allele origin: germline. Affected: yes.
Comment: This variant is considered likely benign or benign based on one or more of the following criteria: it is a conservative change, it occurs at a poorly conserved position in the protein, it is predicted to be benign by multiple in silico algorithms, and/or has population frequency not consistent with disease.

NM_004360.5(CDH1):c.49-20C>T

Gene: CDH1 (cadherin 1; plus strand). Cytogenetic location: 16q22.1.
Variant type: single nucleotide variant.
Coding change: c.49-20C>T on transcript NM_004360.5 (MANE Select); 20 bases into the intron before coding-DNA position 49, C replaced by T.
Molecular consequence: intron variant.
Genome position (GRCh38, 1-based): chr16:68,738,277, C>T. VCF-style: chr16-68738277-C-T. GRCh37 (hg19) VCF-style: chr16-68772180-C-T.
Other names: c.-1567-20C>T (NM_001317185.2); c.-1771-20C>T (NM_001317186.2); c.49-20C>T (NM_001317184.2, LRG_301t1).
Identifiers: ClinVar variation 391234 (VCV000391234.14), dbSNP rs545811852, ClinGen allele CA8129789.